The following is an entry in ClinVar:

ClinVar aggregate classification (germline): Benign. Review status: criteria provided, multiple submitters, no conflicts (2 of 4 stars). 2 submissions from 2 submitters: Benign (2). Last evaluated 2018-01-13.

Conditions:
Aromatase deficiency. Also called: Increased aromatase activity; PSEUDOHERMAPHRODITISM, FEMALE, DUE TO PLACENTAL AROMATASE DEFICIENCY. Identifiers: Orphanet 91, MedGen C1960539, MONDO:0013301, OMIM 613546.

Allele frequency attached by ClinVar (database versions not stated): TOPMed 0.23996; gnomAD 0.24198 and 0.24313; 1000 Genomes Project 30x 0.25781; 1000 Genomes Project 0.25899.

Submissions (2):

Illumina Laboratory Services, Illumina
Classification: Benign for Aromatase deficiency. Last evaluated: 2018-01-13. Review status: criteria provided, single submitter. Criteria: ICSL Variant Classification Criteria 13 December 2019. Collection method: clinical testing. Allele origin: germline.
Comment: This variant was observed in the ICSL laboratory as part of a predisposition screen in an ostensibly healthy population. It had not been previously curated by ICSL or reported in the Human Gene Mutation Database (HGMD: prior to June 1st, 2018), and was therefore a candidate for classification through an automated scoring system. Utilizing variant allele frequency, disease prevalence and penetrance estimates, and inheritance mode, an automated score was calculated to assess if this variant is too frequent to cause the disease. Based on the score and internal cut-off values, a variant classified as benign is not then subjected to further curation. The score for this variant resulted in a classification of benign for this disease.

Breakthrough Genomics
Classification: Benign. Review status: criteria provided, single submitter. Criteria: ACMG Guidelines, 2015. Collection method: not provided. Allele origin: germline. Inheritance: Unknown mechanism. Affected: yes.

NM_000103.4(CYP19A1):c.*2170G>A

Genes: CYP19A1 (cytochrome P450 family 19 subfamily A member 1; minus strand), MIR4713HG (MIR4713 host gene; plus strand), PIRC66 (piwi-interacting RNA cluster 66; plus strand). Cytogenetic location: 15q21.2.
Variant type: single nucleotide variant.
Coding change: c.*2170G>A on transcript NM_000103.4 (MANE Select); 2170 bases downstream of the stop codon, G replaced by A.
Molecular consequence: 3 prime UTR variant.
Genome position (GRCh38, 1-based): chr15:51,208,638, C>T on the plus strand (G>A on the coding strand, the complement: CYP19A1 is on the minus strand). VCF-style: chr15-51208638-C-T. GRCh37 (hg19) VCF-style: chr15-51500835-C-T.
Other names: c.*2170G>A (NM_001347248.1, NM_001347249.2, NM_001347250.2 and 7 more transcripts).
Identifiers: ClinVar variation 316447 (VCV000316447.6), dbSNP rs2255192, ClinGen allele CA10636174.